The following is an entry in ClinVar:

ClinVar aggregate classification (germline): Pathogenic (1 of 4 stars; one submission).

Conditions:
Long QT syndrome 2 (LQT2). Identifiers: Orphanet 101016, Orphanet 768, MedGen C3150943, MONDO:0013367, OMIM 613688.

Submission:

Center of Genomic medicine, Geneva, University Hospital of Geneva
Classification: Pathogenic for Long QT syndrome 2. Last evaluated: 2015-11-04. Review status: criteria provided, single submitter. Criteria: ACMG Guidelines, 2015. Collection method: case-control. Allele origin: paternal. Inheritance: Autosomal dominant inheritance. Affected: yes. Observed: 2 variant alleles, 2 heterozygotes. Study: Long QT syndrome.
Comment: This missense variant has never been reported before. However, other variants affecting the same amino acid (proline 596) have been reported by ClinVar as pathogenic: Pro596Arg and Pro596His.

Literature cited by the submitters: PubMed 19926013.

NM_000238.4(KCNH2):c.1786C>G (p.Pro596Ala)

Gene: KCNH2 (potassium voltage-gated channel subfamily H member 2; minus strand). Cytogenetic location: 7q36.1.
Variant type: single nucleotide variant.
Coding change: c.1786C>G on transcript NM_000238.4 (MANE Select); coding-DNA position 1786, C replaced by G.
Protein change: p.Pro596Ala; replaces proline 596 with alanine.
Molecular consequence: missense variant.
Genome position (GRCh38, 1-based): chr7:150,951,607, G>C on the plus strand (C>G on the coding strand, the complement: KCNH2 is on the minus strand). VCF-style: chr7-150951607-G-C. GRCh37 (hg19) VCF-style: chr7-150648695-G-C.
Other names: c.766C>G, p.Pro256Ala (NM_001204798.2, NM_172057.3); c.1498C>G, p.Pro500Ala (NM_001406753.1, NM_001406756.1); c.1609C>G, p.Pro537Ala (NM_001406755.1); c.1486C>G, p.Pro496Ala (NM_001406757.1); c.1786C>G, p.Pro596Ala (NM_172056.3); short protein forms P256A, P596A, P500A, P496A, P537A.
Identifiers: ClinVar variation 218093 (VCV000218093.4), dbSNP rs863225288, ClinGen allele CA279835.